The following is an entry in ClinVar:

ClinVar aggregate classification (germline): Uncertain significance (1 of 4 stars; one submission).

gnomAD v4.1: 2 of 1,613,866 alleles (0.00012%); highest among the groups gnomAD compares: Non-Finnish European, 0.00017%; no homozygotes.

Submission:

GeneDx
Classification: Uncertain significance. Last evaluated: 2025-02-05. Review status: criteria provided, single submitter. Criteria: GeneDx Variant Classification Process June 2021. Collection method: clinical testing. Allele origin: germline. Affected: yes.
Comment: Not observed at significant frequency in large population cohorts (gnomAD); In silico analysis supports that this missense variant has a deleterious effect on protein structure/function; Has not been previously published as pathogenic or benign to our knowledge

NM_002815.4(PSMD11):c.670G>A (p.Asp224Asn)

Gene: PSMD11 (proteasome 26S subunit, non-ATPase 11; plus strand). Cytogenetic location: 17q11.2.
Variant type: single nucleotide variant.
Coding change: c.670G>A on transcript NM_002815.4 (MANE Select); coding-DNA position 670, G replaced by A.
Protein change: p.Asp224Asn; replaces aspartic acid 224 with asparagine.
Molecular consequence: missense variant.
Genome position (GRCh38, 1-based): chr17:32,473,827, G>A. VCF-style: chr17-32473827-G-A. GRCh37 (hg19) VCF-style: chr17-30800845-G-A.
Other names: c.670G>A, p.Asp224Asn (NM_001270482.2); short protein forms D224N.
Identifiers: ClinVar variation 4074606 (VCV004074606.1).